The following is an entry in ClinVar:

ClinVar aggregate classification (germline): Pathogenic. Review status: criteria provided, multiple submitters, no conflicts (2 of 4 stars). 2 submissions from 2 submitters: Pathogenic (2). Last evaluated 2022-06-22.

Conditions:
Wiskott-Aldrich syndrome (WAS). Also called: WISKOTT-ALDRICH SYNDROME 1; Wiskott-aldrich syndrome, somatic; ALDRICH SYNDROME; IMMUNODEFICIENCY 2. Identifiers: Orphanet 906, MedGen C0043194, MONDO:0010518, OMIM 301000.
X-linked severe congenital neutropenia (SCNX). Identifiers: Orphanet 86788, MedGen C1845987, MONDO:0010294, OMIM 300299.
Thrombocytopenia 1. Also called: X-linked thrombocytopenia with normal platelets; THROMBOCYTOPENIA, X-LINKED, 1; X-Linked Thrombocytopenia (XLT). Identifiers: Orphanet 268322, Orphanet 852, MedGen C1839163, MONDO:0010743, OMIM 313900.

Submissions (2):

Women's Health and Genetics/Laboratory Corporation of America, LabCorp
Classification: Pathogenic for Wiskott-Aldrich syndrome. Last evaluated: 2022-06-22. Review status: criteria provided, single submitter. Criteria: LabCorp Variant Classification Summary - May 2015. Collection method: clinical testing. Allele origin: germline.
Comment: Variant summary: WAS c.35dupG (p.Arg13ProfsX25) results in a premature termination codon, predicted to cause a truncation of the encoded protein or absence of the protein due to nonsense mediated decay, which are commonly known mechanisms for disease. Truncations downstream of this position have been classified as pathogenic by our laboratory. The variant allele was found at a frequency of 5.5e-06 in 183194 control chromosomes (gnomAD). c.35dupG has been reported in the literature in individuals affected with Wiskott-Aldrich Syndrome (Examples: Jin_2004 and Lemahieu_1999). Isolated macrophages from a patient with this variant failed to form podosomes (Linder_1999). One clinical diagnostic laboratory has submitted clinical-significance assessments for this variant to ClinVar after 2014 and classified the variant as pathogenic. Based on the evidence outlined above, the variant was classified as pathogenic.

Labcorp Genetics (formerly Invitae), Labcorp
Classification: Pathogenic for Wiskott-Aldrich syndrome; X-linked severe congenital neutropenia; Thrombocytopenia 1. Last evaluated: 2019-05-10. Review status: criteria provided, single submitter. Criteria: Invitae Variant Classification Sherloc (09022015). Collection method: clinical testing. Allele origin: germline.
Comment: For these reasons, this variant has been classified as Pathogenic. Loss-of-function variants in WAS are known to be pathogenic (PMID: 15284122). This variant has been observed in individuals or families affected with Wiskott-Aldrich syndrome (PMID: 10447259, Invitae). This variant is also known as 65insG in the literature. This variant is not present in population databases (ExAC no frequency). This sequence change creates a premature translational stop signal (p.Arg13Profs*25) in the WAS gene. It is expected to result in an absent or disrupted protein product.

Literature cited by the submitters: PubMed 15284122 (cited by Women's Health and Genetics/Laboratory Corporation of America, LabCorp and Labcorp Genetics (formerly Invitae), Labcorp); PubMed 10447259 (cited by Women's Health and Genetics/Laboratory Corporation of America, LabCorp and Labcorp Genetics (formerly Invitae), Labcorp); PubMed 10449748 (cited by Women's Health and Genetics/Laboratory Corporation of America, LabCorp).

NM_000377.3(WAS):c.35dup (p.Arg13fs)

Gene: WAS (WASP actin nucleation promoting factor; plus strand). Cytogenetic location: Xp11.23.
Variant type: Duplication.
Coding change: c.35dup on transcript NM_000377.3 (MANE Select); coding-DNA position 35, one base duplicated (G; older notation c.35dupG).
Protein change: p.Arg13fs; shifts the reading frame from arginine 13.
Molecular consequence: frameshift variant.
Genome position (GRCh38, 1-based): chrX:48,683,888, G duplicated; the last of 5 consecutive G bases (chrX:48,683,884-48,683,888); duplicating any one gives the same sequence. VCF-style (leftmost placement, unchanged base first): chrX-48683883-C-CG. GRCh37 (hg19) VCF-style: chrX-48542272-C-CG.
Other names: c.35dupG (NM_000377.2); short protein forms R13fs.
Identifiers: ClinVar variation 843981 (VCV000843981.9), dbSNP rs2062410421, ClinGen allele CA916081265.
Genomic context (GRCh38, chrX:48,683,883, plus strand): 5'-CTCGCCAGAGAAGACAAGGGCAGAAAGCACCATGAGTGGGGGCCCAATGGGAGGAAGGCC[C>CG]GGGGGCCGAGGAGCACCAGCGGTTCAGCAGAACATACCCTCCACCCTCCTCCAGGACCAC-3'